The following is an entry in ClinVar:

NM_018230.3(NUP133):c.2123A>G (p.Glu708Gly)

Gene: NUP133 (nucleoporin 133; minus strand). Cytogenetic location: 1q42.13.
Variant type: single nucleotide variant.
Coding change: c.2123A>G on transcript NM_018230.3 (MANE Select); coding-DNA position 2123, A replaced by G.
Protein change: p.Glu708Gly; replaces glutamic acid 708 with glycine.
Molecular consequence: missense variant.
Genome position (GRCh38, 1-based): chr1:229,466,710, T>C on the plus strand (A>G on the coding strand, the complement: NUP133 is on the minus strand). VCF-style: chr1-229466710-T-C. GRCh37 (hg19) VCF-style: chr1-229602457-T-C.
Other names: short protein forms E708G.
Identifiers: ClinVar variation 2974854 (VCV002974854.3), dbSNP rs558744112, ClinGen allele CA1443371.
Genomic context (GRCh38, chr1:229,466,710, plus strand): 5'-ACATTGATCACCACTTCAGCCCATTCAATGGAATCCATAGGTGCATCCCTCAAGACTTGC[T>C]CCTCATGCTCCAGTAAGCACTCACAGATGGTATCTACTTGGGATACCTGAGAGAATACAC-3'
Protein context (NP_060700.2, residues 698-718): TICECLLEHE[Glu708Gly]QVLRDAPMDS

ClinVar aggregate classification (germline): Uncertain significance (1 of 4 stars; one submission).

Allele frequency attached by ClinVar (database versions not stated): gnomAD 0.00001; gnomAD exomes 0.00001; ExAC 0.00002.
gnomAD v4.1: 17 of 1,613,716 alleles (0.0011%); highest among the groups gnomAD compares: South Asian, 0.019%; no homozygotes.

Submission:

Labcorp Genetics (formerly Invitae), Labcorp
Classification: Uncertain significance. Last evaluated: 2023-08-15. Review status: criteria provided, single submitter. Criteria: Invitae Variant Classification Sherloc (09022015). Collection method: clinical testing. Allele origin: germline.
Comment: This variant has not been reported in the literature in individuals affected with NUP133-related conditions. This sequence change replaces glutamic acid, which is acidic and polar, with glycine, which is neutral and non-polar, at codon 708 of the NUP133 protein (p.Glu708Gly). This variant is present in population databases (rs558744112, gnomAD 0.02%). An algorithm developed to predict the effect of missense changes on protein structure and function (PolyPhen-2) suggests that this variant is likely to be disruptive. In summary, the available evidence is currently insufficient to determine the role of this variant in disease. Therefore, it has been classified as a Variant of Uncertain Significance.